The following is an entry in ClinVar:

NM_003590.5(CUL3):c.1422del (p.Phe474fs)

Gene: CUL3 (cullin 3; minus strand). Cytogenetic location: 2q36.2.
Variant type: Deletion.
Coding change: c.1422del on transcript NM_003590.5 (MANE Select); coding-DNA position 1422, one base deleted (T; older notation c.1422delT).
Protein change: p.Phe474fs; shifts the reading frame from phenylalanine 474.
Molecular consequence: frameshift variant.
Genome position (GRCh38, 1-based): chr2:224,503,028, A deleted on the plus strand (T on the coding strand, the reverse complement: CUL3 is on the minus strand); the first of 3 consecutive A bases (chr2:224,503,028-224,503,030); deleting any one gives the same sequence. VCF-style (leftmost placement, unchanged base first): chr2-224503027-TA-T. GRCh37 (hg19) VCF-style: chr2-225367744-TA-T.
Other names: c.1224del, p.Phe408fs (NM_001257197.2); c.1440del, p.Phe480fs (NM_001257198.2); short protein forms F408fs, F474fs, F480fs.
Identifiers: ClinVar variation 4854764 (VCV004854764.1).

ClinVar aggregate classification (germline): Likely pathogenic (1 of 4 stars; one submission).

Conditions:
Neurodevelopmental disorder with or without autism or seizures (NEDAUS). Identifiers: MedGen C5543225, MONDO:0030994, OMIM 619239.

Submission:

3billion
Classification: Likely pathogenic for Neurodevelopmental disorder with or without autism or seizures. Last evaluated: 2025-09-30. Review status: criteria provided, single submitter. Criteria: ACMG Guidelines, 2015. Collection method: clinical testing. Allele origin: germline. Affected: yes.
Comment: The variant is not observed in the gnomAD v4.1.0 dataset. Predicted Consequence/Location: Frameshift: predicted to result in a loss or disruption of normal protein function through nonsense-mediated decay (NMD) or protein truncation. Multiple pathogenic variants are reported downstream of the variant. Therefore, this variant is classified as Likely pathogenic according to the recommendation of ACMG/AMP guideline.